The following is an entry in ClinVar:

ClinVar aggregate classification (germline): Likely benign (0 of 4 stars; one submission).

Conditions:
TRIM55-related disorder. Also called: TRIM55-related condition.

Allele frequency attached by ClinVar (database versions not stated): 1000 Genomes Project 0.00020; 1000 Genomes Project 30x 0.00031; ExAC 0.00062; TOPMed 0.00079; ESP Exome Variant Server 0.00100.
gnomAD v4.1: 1,543 of 1,614,118 alleles (0.096%); highest among the groups gnomAD compares: Non-Finnish European, 0.12%; 3 homozygotes.

Submission:

PreventionGenetics, part of Exact Sciences
Classification: Likely benign for TRIM55-related condition. Last evaluated: 2019-11-26. Review status: no assertion criteria provided. Collection method: clinical testing. Allele origin: germline.
Comment: This variant is classified as likely benign based on ACMG/AMP sequence variant interpretation guidelines (Richards et al. 2015 PMID: 25741868, with internal and published modifications).

NM_184085.2(TRIM55):c.553C>A (p.Arg185=)

Gene: TRIM55 (tripartite motif containing 55; plus strand). Cytogenetic location: 8q13.1.
Variant type: single nucleotide variant.
Coding change: c.553C>A on transcript NM_184085.2 (MANE Select); coding-DNA position 553, C replaced by A.
Protein change: p.Arg185=; no amino-acid change (arginine 185 retained).
Molecular consequence: synonymous variant.
Genome position (GRCh38, 1-based): chr8:66,137,140, C>A. VCF-style: chr8-66137140-C-A. GRCh37 (hg19) VCF-style: chr8-67049375-C-A.
Other names: c.553C>A, p.Arg185= (NM_033058.3, NM_184086.2, NM_184087.2).
Identifiers: ClinVar variation 3053119 (VCV003053119.2), dbSNP rs144527623, ClinGen allele CA4765717.